The following is an entry in ClinVar:

Conditions:
Breast-ovarian cancer, familial, susceptibility to, 1 (BROVCA1). Also called: BRCA1 Hereditary Breast and Ovarian Cancer; OVARIAN CANCER, SUSCEPTIBILITY TO. Identifiers: Orphanet 145, MedGen C2676676, MONDO:0011450, OMIM 604370. Disease mechanism: loss of function.

Submission:

Brotman Baty Institute, University of Washington
No classification provided (evidence only). Condition: Breast-ovarian cancer, familial 1. Review status: no classification provided. Collection method: in vitro. Allele origin: not applicable. Functional consequence: functionally_normal.
ClinVar note: "not provided" was previously submitted as the classification for the variant. However, the classification appeared to be based only on an observation of functional data so it was converted to no classification on 2025-07-30.

NM_007294.4(BRCA1):c.12T>A (p.Ser4=)

Gene: BRCA1 (BRCA1 DNA repair associated; minus strand). Cytogenetic location: 17q21.31.
Variant type: single nucleotide variant.
Coding change: c.12T>A on transcript NM_007294.4 (MANE Select); coding-DNA position 12, T replaced by A.
Protein change: p.Ser4=; no amino-acid change (serine 4 retained).
Molecular consequence: synonymous variant. On other transcripts: intron variant (36), 5 prime UTR variant (136).
Genome position (GRCh38, 1-based): chr17:43,124,085, A>T on the plus strand (T>A on the coding strand, the complement: BRCA1 is on the minus strand). VCF-style: chr17-43124085-A-T. GRCh37 (hg19) VCF-style: chr17-41276102-A-T.
Other names: c.-224+1192T>A (NM_001408512.1, NM_001408510.1, NM_001407962.1); c.-109+1192T>A (NM_001407885.1); c.-62+1192T>A (NM_001408470.1, NM_001407848.1, NM_001407839.1 and 6 more transcripts); c.-178+1192T>A (NM_001407746.1); c.-219+1186T>A (NM_001407966.1); c.-170+1186T>A (NM_001407963.1); c.-8+1186T>A (NM_001408511.1, NM_001408457.1, NM_001407692.1); c.-224+1186T>A (NM_001407960.1); and 23 more.
Identifiers: ClinVar variation 867678 (VCV000867678.3), dbSNP rs2055743331, ClinGen allele CA500131491.
Genomic context (GRCh38, chr17:43,124,085, plus strand): 5'-ACACTCTAAGATTTTCTGCATAGCATTAATGACATTTTGTACTTCTTCAACGCGAAGAGC[A>T]GATAAATCCATTTCTTTCTGTTCCAATGAACTTTAACACATTAGAAAAACATATATATAT-3'
Protein context (NP_009225.1, residues 1-14): MDL[Ser4=]ALRVEEVQNV